The following is an entry in ClinVar:

NM_178857.6(RP1L1):c.6174G>A (p.Pro2058=)

Gene: RP1L1 (RP1 like 1). Cytogenetic location: 8p23.1.
Variant type: single nucleotide variant.
Coding change: c.6174G>A on transcript NM_178857.6 (MANE Select); coding-DNA position 6174, G replaced by A.
Protein change: p.Pro2058=; no amino-acid change (proline 2058 retained).
Molecular consequence: synonymous variant.
Genome position (GRCh38, 1-based): chr8:10,607,924, C>T on the plus strand (G>A on the coding strand, the complement: RP1L1 is on the minus strand). VCF-style: chr8-10607924-C-T. GRCh37 (hg19) VCF-style: chr8-10465434-C-T.
Identifiers: ClinVar variation 912221 (VCV000912221.32), dbSNP rs200660179, ClinGen allele CA4623425.

ClinVar aggregate classification (germline): Benign/Likely benign. Review status: criteria provided, multiple submitters, no conflicts (2 of 4 stars). 6 submissions from 6 submitters: Benign (2); Likely benign (2). 2 of the submissions do not count toward it. Last evaluated 2026-03-01.

Conditions:
Occult macular dystrophy (OCMD). Also called: OMD; OCCULT MACULAR DYSTROPHY, SUSCEPTIBILITY TO. Identifiers: Orphanet 247834, MedGen C3150833, MONDO:0013316, OMIM 613587, HP:0030636.
Retinal dystrophy. Also called: Inherited retinal dystrophy. Identifiers: Orphanet 71862, MedGen C0854723, MeSH D058499, MONDO:0019118, HP:0000556.

Allele frequency attached by ClinVar (database versions not stated): gnomAD 0.00008; gnomAD exomes 0.00013 and 0.00014; ExAC 0.00017; 1000 Genomes Project 0.00020.

Submissions (6):

CeGaT Center for Human Genetics Tuebingen
Classification: Likely benign. Last evaluated: 2026-03-01. Review status: criteria provided, single submitter. Criteria: CeGaT Center For Human Genetics Tuebingen Variant Classification Criteria Version 2. Collection method: clinical testing. Allele origin: germline. Affected: yes. Observed: 5 variant alleles.
Comment: RP1L1: BP4, BP7

Blueprint Genetics
Classification: Likely benign. Last evaluated: 2024-11-01. Review status: criteria provided, single submitter. Criteria: ACMG Guidelines, 2015. Collection method: clinical testing. Allele origin: germline.

Dept Of Ophthalmology, Nagoya University
Classification: Benign for Retinal dystrophy. Last evaluated: 2023-10-01. Review status: criteria provided, single submitter. Criteria: Submitter's publication. Collection method: research. Allele origin: germline. Affected: yes.

Illumina Laboratory Services, Illumina
Classification: Benign for Occult macular dystrophy. Last evaluated: 2018-01-13. Review status: criteria provided, single submitter. Criteria: ICSL Variant Classification Criteria 13 December 2019. Collection method: clinical testing. Allele origin: germline.
Comment: This variant was observed in the ICSL laboratory as part of a predisposition screen in an ostensibly healthy population. It had not been previously curated by ICSL or reported in the Human Gene Mutation Database (HGMD: prior to June 1st, 2018), and was therefore a candidate for classification through an automated scoring system. Utilizing variant allele frequency, disease prevalence and penetrance estimates, and inheritance mode, an automated score was calculated to assess if this variant is too frequent to cause the disease. Based on the score and internal cut-off values, a variant classified as benign is not then subjected to further curation. The score for this variant resulted in a classification of benign for this disease.

Clinical Genetics DNA and cytogenetics Diagnostics Lab, Erasmus MC, Erasmus Medical Center
Classification: Likely benign. Review status: no assertion criteria provided. Collection method: clinical testing. Allele origin: germline. Affected: yes. Study: VKGL Data-share Consensus. Not counted in ClinVar's aggregate classification.

Clinical Genetics, Academic Medical Center
Classification: Likely benign. Review status: no assertion criteria provided. Collection method: clinical testing. Allele origin: germline. Affected: yes. Study: VKGL Data-share Consensus. Not counted in ClinVar's aggregate classification.